The following is an entry in ClinVar:

ClinVar aggregate classification (germline): Conflicting classifications of pathogenicity. Review status: criteria provided, conflicting classifications (1 of 4 stars). 2 submissions from 2 submitters: Uncertain significance (1); Likely benign (1). Last evaluated 2026-06-01.

gnomAD v4.1: 424 of 1,612,590 alleles (0.026%); highest among the groups gnomAD compares: East Asian, 0.84%; 4 homozygotes.

Submissions (2):

CeGaT Center for Human Genetics Tuebingen
Classification: Likely benign. Last evaluated: 2026-06-01. Review status: criteria provided, single submitter. Criteria: CeGaT Center For Human Genetics Tuebingen Variant Classification Criteria Version 2. Collection method: clinical testing. Allele origin: germline. Affected: yes. Observed: 1 variant allele.
Comment: AHNAK2: BP4, BS1

Ambry Genetics
Classification: Uncertain significance. Last evaluated: 2025-10-24. Review status: criteria provided, single submitter. Criteria: Ambry Variant Classification Scheme 2023. Collection method: clinical testing. Allele origin: germline.

NM_138420.4(AHNAK2):c.7645G>C (p.Val2549Leu)

Gene: AHNAK2 (AHNAK nucleoprotein 2; minus strand). Cytogenetic location: 14q32.33.
Variant type: single nucleotide variant.
Coding change: c.7645G>C on transcript NM_138420.4 (MANE Select); coding-DNA position 7645, G replaced by C.
Protein change: p.Val2549Leu; replaces valine 2549 with leucine.
Molecular consequence: missense variant.
Genome position (GRCh38, 1-based): chr14:104,947,806, C>G on the plus strand (G>C on the coding strand, the complement: AHNAK2 is on the minus strand). VCF-style: chr14-104947806-C-G. GRCh37 (hg19) VCF-style: chr14-105414143-C-G.
Other names: c.7345G>C, p.Val2449Leu (NM_001350929.2); short protein forms V2449L, V2549L.
Identifiers: ClinVar variation 4639317 (VCV004639317.3).